The following is an entry in ClinVar:

NM_001927.4(DES):c.368T>A (p.Ile123Asn)

Gene: DES (desmin; plus strand). Cytogenetic location: 2q35.
Variant type: single nucleotide variant.
Coding change: c.368T>A on transcript NM_001927.4 (MANE Select); coding-DNA position 368, T replaced by A.
Protein change: p.Ile123Asn; replaces isoleucine 123 with asparagine.
Molecular consequence: missense variant.
Genome position (GRCh38, 1-based): chr2:219,418,830, T>A. VCF-style: chr2-219418830-T-A. GRCh37 (hg19) VCF-style: chr2-220283552-T-A.
Other names: c.368T>A, p.Ile123Asn (NM_001382708.1, NM_001382709.1, NM_001382710.1 and 3 more transcripts); short protein forms I123N.
Identifiers: ClinVar variation 1305123 (VCV001305123.3), dbSNP rs1954373441, ClinGen allele CA350685594.

ClinVar aggregate classification (germline): Conflicting classifications of pathogenicity. Review status: criteria provided, conflicting classifications (1 of 4 stars). 2 submissions from 2 submitters: Pathogenic (1); Uncertain significance (1). Last evaluated 2025-07-29.

Conditions:
Desmin-related myofibrillar myopathy (MFM1). Also called: Desminopathy; MYOFIBRILLAR MYOPATHY WITH ARRHYTHMOGENIC RIGHT VENTRICULAR CARDIOMYOPATHY; DESMIN-RELATED MYOPATHY WITH ARRHYTHMOGENIC RIGHT VENTRICULAR CARDIOMYOPATHY; Myofibrillar myopathy 1; Desmin related myopathy (former name); Desmin storage myopathy (former name). Identifiers: Orphanet 363543, Orphanet 98909, MedGen C1832370, MONDO:0011076, OMIM 601419.

Submissions (2):

Labcorp Genetics (formerly Invitae), Labcorp
Classification: Pathogenic for Desmin-related myofibrillar myopathy. Last evaluated: 2025-07-29. Review status: criteria provided, single submitter. Criteria: Invitae Variant Classification Sherloc (09022015). Collection method: clinical testing. Allele origin: germline.
Comment: This sequence change replaces isoleucine, which is neutral and non-polar, with asparagine, which is neutral and polar, at codon 123 of the DES protein (p.Ile123Asn). This variant is not present in population databases (gnomAD no frequency). This missense change has been observed in individual(s) with clinical features of autosomal dominant DES-related conditions (Internal data). In at least one individual the variant was observed to be de novo. ClinVar contains an entry for this variant (Variation ID: 1305123). Invitae Evidence Modeling of protein sequence and biophysical properties (such as structural, functional, and spatial information, amino acid conservation, physicochemical variation, residue mobility, and thermodynamic stability) indicates that this missense variant is expected to disrupt DES protein function with a positive predictive value of 95%. Experimental studies have shown that this missense change affects DES function (PMID: 36497166). For these reasons, this variant has been classified as Pathogenic.

GeneDx
Classification: Uncertain significance. Last evaluated: 2020-03-09. Review status: criteria provided, single submitter. Criteria: GeneDx Variant Classification Process June 2021. Collection method: clinical testing. Allele origin: germline. Affected: yes.
Comment: Has not been previously published as pathogenic or benign to our knowledge; Not observed in large population cohorts (Lek et al., 2016); In silico analysis supports that this missense variant has a deleterious effect on protein structure/function

Literature cited by the submitters: PubMed 36497166 (cited by Labcorp Genetics (formerly Invitae), Labcorp).